The following is an entry in ClinVar:

ClinVar aggregate classification (germline): Uncertain significance (1 of 4 stars; one submission).

Conditions:
Glycogen storage disease type III (GSD3). Also called: FORBES DISEASE; Cori disease. Identifiers: Orphanet 366, MedGen C0017922, MONDO:0009291, OMIM 232400.

Allele frequency attached by ClinVar (database versions not stated): gnomAD exomes below 0.00001.
gnomAD v4.1: 1 of 1,613,196 alleles (0.000062%); highest among the groups gnomAD compares: African/African-American, 0.0013%; no homozygotes.

Submission:

Labcorp Genetics (formerly Invitae), Labcorp
Classification: Uncertain significance for Glycogen storage disease type III. Last evaluated: 2022-03-19. Review status: criteria provided, single submitter. Criteria: Invitae Variant Classification Sherloc (09022015). Collection method: clinical testing. Allele origin: germline.
Comment: In summary, the available evidence is currently insufficient to determine the role of this variant in disease. Therefore, it has been classified as a Variant of Uncertain Significance. Algorithms developed to predict the effect of sequence changes on RNA splicing suggest that this variant is not likely to affect RNA splicing. This variant has not been reported in the literature in individuals affected with AGL-related conditions. This variant is not present in population databases (gnomAD no frequency). This sequence change affects codon 1279 of the AGL mRNA. It is a 'silent' change, meaning that it does not change the encoded amino acid sequence of the AGL protein. It affects a nucleotide within the consensus splice site.

NM_000642.3(AGL):c.3837A>G (p.Arg1279=)

Gene: AGL (amylo-alpha-1,6-glucosidase and 4-alpha-glucanotransferase; plus strand). Cytogenetic location: 1p21.2.
Variant type: single nucleotide variant.
Coding change: c.3837A>G on transcript NM_000642.3 (MANE Select); coding-DNA position 3837, A replaced by G.
Protein change: p.Arg1279=; no amino-acid change (arginine 1279 retained).
Molecular consequence: synonymous variant.
Genome position (GRCh38, 1-based): chr1:99,912,405, A>G. VCF-style: chr1-99912405-A-G. GRCh37 (hg19) VCF-style: chr1-100377961-A-G.
Other names: c.3837A>G, p.Arg1279= (NM_000028.3, NM_000643.3, NM_000644.3 and 1 more transcripts); c.3789A>G, p.Arg1263= (NM_000646.3); c.3816A>G, p.Arg1272= (NM_001425326.1); c.3636A>G, p.Arg1212= (NM_001425327.1); c.3633A>G, p.Arg1211= (NM_001425328.1); c.3498A>G, p.Arg1166= (NM_001425329.1); c.3459A>G, p.Arg1153= (NM_001425332.1).
Identifiers: ClinVar variation 2114407 (VCV002114407.4), dbSNP rs1654810711, ClinGen allele CA419092199.